The following is an entry in ClinVar:

ClinVar aggregate classification (germline): Likely pathogenic. Review status: criteria provided, multiple submitters, no conflicts (2 of 4 stars). 2 submissions from 2 submitters: Likely pathogenic (2). Last evaluated 2025-12-27.

Conditions:
Occipital pachygyria and polymicrogyria. Identifiers: Orphanet 280640, MedGen C3279875, MONDO:0013583, OMIM 614115.

Submissions (2):

Labcorp Genetics (formerly Invitae), Labcorp
Classification: Likely pathogenic. Last evaluated: 2025-12-27. Review status: criteria provided, single submitter. Criteria: Invitae Variant Classification Sherloc (09022015). Collection method: clinical testing. Allele origin: germline.
Comment: This sequence change affects a splice site in intron 3 of the LAMC3 gene. It is expected to disrupt RNA splicing. Variants that disrupt the donor or acceptor splice site typically lead to a loss of protein function (PMID: 16199547), and loss-of-function variants in LAMC3 are known to be pathogenic (PMID: 21572413, 26802095). This variant is present in population databases (rs775851709, gnomAD 0.01%). Disruption of this splice site has been observed in individual(s) with seizures (PMID: 26633542). ClinVar contains an entry for this variant (Variation ID: 1464952). Algorithms developed to predict the effect of sequence changes on RNA splicing suggest that this variant may disrupt the consensus splice site. In summary, the currently available evidence indicates that the variant is pathogenic, but additional data are needed to prove that conclusively. Therefore, this variant has been classified as Likely Pathogenic.

Fulgent Genetics
Classification: Likely pathogenic for Occipital pachygyria and polymicrogyria. Last evaluated: 2024-03-12. Review status: criteria provided, single submitter. Criteria: ACMG Guidelines, 2015. Collection method: clinical testing. Allele origin: germline.

Literature cited by the submitters: PubMed 16199547 (cited by Labcorp Genetics (formerly Invitae), Labcorp); PubMed 21572413 (cited by Labcorp Genetics (formerly Invitae), Labcorp); PubMed 26802095 (cited by Labcorp Genetics (formerly Invitae), Labcorp); PubMed 26633542 (cited by Labcorp Genetics (formerly Invitae), Labcorp).

NM_006059.4(LAMC3):c.809+2_809+8del

Gene: LAMC3 (laminin subunit gamma 3; plus strand). Cytogenetic location: 9q34.12.
Variant type: Deletion.
Coding change: c.809+2_809+8del on transcript NM_006059.4 (MANE Select); the canonical splice donor site of the intron after coding-DNA position 809 through 8 bases into the intron after coding-DNA position 809, 7 bases deleted (TAGGAGG; older notation c.809+2_809+8delTAGGAGG).
Molecular consequence: splice donor variant.
Genome position (GRCh38, 1-based): chr9:131,032,177-131,032,183, TAGGAGG deleted; deleting any 7 consecutive bases within chr9:131,032,174-131,032,183 gives the same sequence; the c. name uses the placement nearest the transcript's 3' end. VCF-style (leftmost placement, unchanged base first): chr9-131032173-CAGGTAGG-C. GRCh37 (hg19) VCF-style: chr9-133907560-CAGGTAGG-C.
Identifiers: ClinVar variation 1464952 (VCV001464952.10), dbSNP rs775851709, ClinGen allele CA5286813.